The following is an entry in ClinVar:

ClinVar aggregate classification (germline): Pathogenic (1 of 4 stars; one submission).

Submission:

Labcorp Genetics (formerly Invitae), Labcorp
Classification: Pathogenic. Last evaluated: 2025-05-05. Review status: criteria provided, single submitter. Criteria: Invitae Variant Classification Sherloc (09022015). Collection method: clinical testing. Allele origin: germline.
Comment: This sequence change creates a premature translational stop signal (p.Ala615*) in the CTNNB1 gene. It is expected to result in an absent or disrupted protein product. Loss-of-function variants in CTNNB1 are known to be pathogenic (PMID: 23033978, 24614104, 25326669, 26350204, 28575650). This variant is not present in population databases (gnomAD no frequency). This variant has not been reported in the literature in individuals affected with CTNNB1-related conditions. ClinVar contains an entry for this variant (Variation ID: 2833687). For these reasons, this variant has been classified as Pathogenic.

Literature cited by the submitters: PubMed 23033978; PubMed 24614104; PubMed 25326669; PubMed 26350204; PubMed 28575650.

NM_001904.4(CTNNB1):c.1838_1842dup (p.Ala615Ter)

Gene: CTNNB1 (catenin beta 1; plus strand). Cytogenetic location: 3p22.1.
Variant type: Duplication.
Coding change: c.1838_1842dup on transcript NM_001904.4 (MANE Select); coding-DNA positions 1838 to 1842, 5 bases duplicated (TAGCT; older notation c.1838_1842dupTAGCT).
Protein change: p.Ala615Ter; replaces alanine 615 with a stop codon.
Molecular consequence: nonsense.
Genome position (GRCh38, 1-based): chr3:41,236,383-41,236,387, TAGCT duplicated. VCF-style (leftmost placement, unchanged base first): chr3-41236382-G-GTAGCT. GRCh37 (hg19) VCF-style: chr3-41277873-G-GTAGCT.
Other names: c.1838_1842dup, p.Ala615Ter (NM_001098209.2, NM_001098210.2); c.1817_1821dup, p.Ala608Ter (NM_001330729.2); short protein forms A608*, A615*.
Identifiers: ClinVar variation 2833687 (VCV002833687.3), dbSNP rs2470846943, ClinGen allele CA2739278676.